The following is an entry in ClinVar:

ClinVar aggregate classification (germline): Uncertain significance (1 of 4 stars; one submission).

Submission:

Labcorp Genetics (formerly Invitae), Labcorp
Classification: Uncertain significance. Last evaluated: 2023-07-31. Review status: criteria provided, single submitter. Criteria: Invitae Variant Classification Sherloc (09022015). Collection method: clinical testing. Allele origin: germline.
Comment: This variant, c.438_440del, results in the deletion of 1 amino acid(s) of the SIRT1 protein (p.Leu147del), but otherwise preserves the integrity of the reading frame. In summary, the available evidence is currently insufficient to determine the role of this variant in disease. Therefore, it has been classified as a Variant of Uncertain Significance. Experimental studies and prediction algorithms are not available or were not evaluated, and the functional significance of this variant is currently unknown. This variant has not been reported in the literature in individuals affected with SIRT1-related conditions. This variant is present in population databases (rs753268782, gnomAD 0.05%).

NM_012238.5(SIRT1):c.438_440del (p.Leu147del)

Gene: SIRT1 (sirtuin 1; plus strand). Cytogenetic location: 10q21.3.
Variant type: Deletion.
Coding change: c.438_440del on transcript NM_012238.5 (MANE Select); coding-DNA positions 438 to 440, 3 bases deleted (TCT; older notation c.438_440delTCT).
Protein change: p.Leu147del; deletes leucine 147.
Molecular consequence: inframe deletion. On other transcripts: 5 prime UTR variant (2).
Genome position (GRCh38, 1-based): chr10:67,887,424-67,887,426, TCT deleted; deleting any 3 consecutive bases within chr10:67,887,422-67,887,426 gives the same sequence; the c. name uses the placement nearest the transcript's 3' end. VCF-style (leftmost placement, unchanged base first): chr10-67887421-CCTT-C. GRCh37 (hg19) VCF-style: chr10-69647179-CCTT-C.
Other names: c.-206_-204del (NM_001142498.2); c.-597_-595del (NM_001314049.2); short protein forms L147del.
Identifiers: ClinVar variation 2705476 (VCV002705476.3), dbSNP rs753268782, ClinGen allele CA5521014.
Genomic context (GRCh38, chr10:67,887,421, plus strand): 5'-TACATTTTAGGTGCATGTTGTTTTGATAGCCTTGACTGACTTGGTTTCTTTTGCAGATAA[CCTT>C]CTGTTCGGTGATGAAATTATCACTAATGGTTTTCATTCCTGTGAAAGTGATGAGGAGGAT-3'